The following is an entry in ClinVar:

NM_005618.4(DLL1):c.1194C>T (p.Ser398=)

Gene: DLL1 (delta like canonical Notch ligand 1; minus strand). Cytogenetic location: 6q27.
Variant type: single nucleotide variant.
Coding change: c.1194C>T on transcript NM_005618.4 (MANE Select); coding-DNA position 1194, C replaced by T.
Protein change: p.Ser398=; no amino-acid change (serine 398 retained).
Molecular consequence: synonymous variant.
Genome position (GRCh38, 1-based): chr6:170,284,974, G>A on the plus strand (C>T on the coding strand, the complement: DLL1 is on the minus strand). VCF-style: chr6-170284974-G-A. GRCh37 (hg19) VCF-style: chr6-170594062-G-A.
Identifiers: ClinVar variation 722112 (VCV000722112.43), dbSNP rs138216897, ClinGen allele CA4106906.

ClinVar aggregate classification (germline): Benign/Likely benign. Review status: criteria provided, multiple submitters, no conflicts (2 of 4 stars). 4 submissions from 4 submitters: Benign (2); Likely benign (2). Last evaluated 2025-12-15.

Allele frequency attached by ClinVar (database versions not stated): gnomAD 0.00050 and 0.00098; ESP Exome Variant Server 0.00054; TOPMed 0.00072; gnomAD exomes 0.00112 and 0.00207; ExAC 0.00232; 1000 Genomes Project 0.00399; 1000 Genomes Project 30x 0.00406.
gnomAD v4.1: 1,807 of 1,614,162 alleles (0.11%); highest among the groups gnomAD compares: South Asian, 1.3%; 17 homozygotes.

Submissions (4):

Labcorp Genetics (formerly Invitae), Labcorp
Classification: Benign. Last evaluated: 2025-12-15. Review status: criteria provided, single submitter. Criteria: Invitae Variant Classification Sherloc (09022015). Collection method: clinical testing. Allele origin: germline.

Blueprint Genetics
Classification: Likely benign. Last evaluated: 2024-11-13. Review status: criteria provided, single submitter. Criteria: ACMG Guidelines, 2015. Collection method: clinical testing. Allele origin: germline.

CeGaT Center for Human Genetics Tuebingen
Classification: Benign. Last evaluated: 2024-05-01. Review status: criteria provided, single submitter. Criteria: CeGaT Center For Human Genetics Tuebingen Variant Classification Criteria Version 2. Collection method: clinical testing. Allele origin: germline. Affected: yes. Observed: 2 variant alleles.
Comment: DLL1: BP4, BP7, BS1, BS2

GeneDx
Classification: Likely benign. Last evaluated: 2021-01-03. Review status: criteria provided, single submitter. Criteria: GeneDx Variant Classification Process June 2021. Collection method: clinical testing. Allele origin: germline. Affected: yes.